The following is an entry in ClinVar:

ClinVar aggregate classification (germline): Uncertain significance (1 of 4 stars; one submission).

Allele frequency attached by ClinVar (database versions not stated): TOPMed 0.00001.
gnomAD v4.1: 4 of 1,612,636 alleles (0.00025%); highest among the groups gnomAD compares: Non-Finnish European, 0.00034%; no homozygotes.

Submission:

Greenwood Genetic Center Diagnostic Laboratories, Greenwood Genetic Center
Classification: Uncertain significance. Last evaluated: 2023-04-10. Review status: criteria provided, single submitter. Criteria: ACMG Guidelines, 2015. Collection method: clinical testing. Allele origin: germline. Affected: yes.
Comment: PM2, PP3

NM_006160.4(NEUROD2):c.952G>C (p.Asp318His)

Gene: NEUROD2 (neuronal differentiation 2; minus strand). Cytogenetic location: 17q12.
Variant type: single nucleotide variant.
Coding change: c.952G>C on transcript NM_006160.4 (MANE Select); coding-DNA position 952, G replaced by C.
Protein change: p.Asp318His; replaces aspartic acid 318 with histidine.
Molecular consequence: missense variant.
Genome position (GRCh38, 1-based): chr17:39,605,648, C>G on the plus strand (G>C on the coding strand, the complement: NEUROD2 is on the minus strand). VCF-style: chr17-39605648-C-G. GRCh37 (hg19) VCF-style: chr17-37761901-C-G.
Other names: short protein forms D318H.
Identifiers: ClinVar variation 2572311 (VCV002572311.1), dbSNP rs1434636065, ClinGen allele CA398855715.